The following is an entry in ClinVar:

NM_022458.4(LMBR1):c.131G>A (p.Arg44Lys)

Gene: LMBR1 (limb development membrane protein 1; minus strand). Cytogenetic location: 7q36.3.
Variant type: single nucleotide variant.
Coding change: c.131G>A on transcript NM_022458.4 (MANE Select); coding-DNA position 131, G replaced by A.
Protein change: p.Arg44Lys; replaces arginine 44 with lysine.
Molecular consequence: missense variant. On other transcripts: 5 prime UTR variant (7), non-coding transcript variant (2), intron variant (1).
Genome position (GRCh38, 1-based): chr7:156,836,821, C>T on the plus strand (G>A on the coding strand, the complement: LMBR1 is on the minus strand). VCF-style: chr7-156836821-C-T. GRCh37 (hg19) VCF-style: chr7-156629515-C-T.
Other names: c.131G>A, p.Arg44Lys (NM_001350953.2, NM_001363409.2, NM_001363410.2); c.-9G>A (NM_001350954.2); c.-502G>A (NM_001350955.2); c.-404G>A (NM_001350956.2, NM_001350958.2); c.-337G>A (NM_001350957.2, NM_001363411.2); c.-522G>A (NM_001363413.2); c.77-3029G>A (NM_001363412.2); c.131G>A (NM_022458.3); short protein forms R44K.
Identifiers: ClinVar variation 4739897 (VCV004739897.2).
Genomic context (GRCh38, chr7:156,836,821, plus strand): 5'-CTAGACCATGTGGCATTCTAACAAAGGTTTTAATTGACATGTTTCCACTTGCCTGATTTT[C>T]TCTTGTATCTTGTGATGATGAAGTAGGAAACAACGTAGAGAATGGCAAAAAGAAGGAAAC-3'
Protein context (NP_071903.2, residues 34-54): VSYFIITRYK[Arg44Lys]KSDEQEDEDA

ClinVar aggregate classification (germline): Uncertain significance. Review status: criteria provided, multiple submitters, no conflicts (2 of 4 stars). 2 submissions from 2 submitters: Uncertain significance (2). Last evaluated 2025-12-01.

Conditions:
LMBR1-related disorder. Also called: LMBR1-related condition.

gnomAD v4.1: 16 of 1,572,720 alleles (0.001%); highest among the groups gnomAD compares: Admixed American, 0.019%; no homozygotes.

Submissions (2):

Labcorp Genetics (formerly Invitae), Labcorp
Classification: Uncertain significance. Last evaluated: 2025-12-01. Review status: criteria provided, single submitter. Criteria: Invitae Variant Classification Sherloc (09022015). Collection method: clinical testing. Allele origin: germline.
Comment: This sequence change replaces arginine, which is basic and polar, with lysine, which is basic and polar, at codon 44 of the LMBR1 protein (p.Arg44Lys). This variant is present in population databases (rs778280366, gnomAD 0.02%). This variant has not been reported in the literature in individuals affected with LMBR1-related conditions. Invitae Evidence Modeling of protein sequence and biophysical properties (such as structural, functional, and spatial information, amino acid conservation, physicochemical variation, residue mobility, and thermodynamic stability) indicates that this missense variant is not expected to disrupt LMBR1 protein function with a negative predictive value of 80%. In summary, the available evidence is currently insufficient to determine the role of this variant in disease. Therefore, it has been classified as a Variant of Uncertain Significance.

PreventionGenetics, part of Exact Sciences
Classification: Uncertain significance for LMBR1-related condition. Last evaluated: 2024-12-13. Review status: criteria provided, single submitter. Criteria: ACMG Guidelines, 2015. Collection method: clinical testing. Allele origin: germline.
Comment: The LMBR1 c.131G>A variant is predicted to result in the amino acid substitution p.Arg44Lys. To our knowledge, this variant has not been reported in the literature. This variant is reported in 0.016% of alleles in individuals of Latino descent in gnomAD. At this time, the clinical significance of this variant is uncertain due to the absence of conclusive functional and genetic evidence.